The following is an entry in ClinVar:

NM_015030.2(FRYL):c.8729A>C (p.Glu2910Ala)

Gene: FRYL (FRY like transcription coactivator; minus strand). Cytogenetic location: 4p11.
Variant type: single nucleotide variant.
Coding change: c.8729A>C on transcript NM_015030.2 (MANE Select); coding-DNA position 8729, A replaced by C.
Protein change: p.Glu2910Ala; replaces glutamic acid 2910 with alanine.
Molecular consequence: missense variant.
Genome position (GRCh38, 1-based): chr4:48,500,084, T>G on the plus strand (A>C on the coding strand, the complement: FRYL is on the minus strand). VCF-style: chr4-48500084-T-G. GRCh37 (hg19) VCF-style: chr4-48502101-T-G.
Other names: short protein forms E2910A.
Identifiers: ClinVar variation 3342492 (VCV003342492.1).
Genomic context (GRCh38, chr4:48,500,084, plus strand): 5'-TTTTACCTGAAAGCTTTGACTTGTGCTACAGCTGATATAAATTCTTTATTTTTCAAAGTT[T>G]CAATTAAAGAATGAATGGCAGTTTCTATAGTAGTTTGTGCAGCTTTGGAAATGTCAATTT-3'
Protein context (NP_055845.1, residues 2900-2920): TIETAIHSLI[Glu2910Ala]TLKNKEFISA

ClinVar aggregate classification (germline): Uncertain significance (1 of 4 stars; one submission).

Submission:

GeneDx
Classification: Uncertain significance. Last evaluated: 2022-04-08. Review status: criteria provided, single submitter. Criteria: GeneDx Variant Classification Process June 2021. Collection method: clinical testing. Allele origin: germline. Affected: yes.
Comment: Not observed at significant frequency in large population cohorts (gnomAD); In silico analysis supports that this missense variant has a deleterious effect on protein structure/function; Has not been previously published as pathogenic or benign to our knowledge; Variants in candidate genes are classified as variants of uncertain significance in accordance with ACMG guidelines (Richards et al., 2015)